The following is an entry in ClinVar:

ClinVar aggregate classification (germline): Uncertain significance. Review status: criteria provided, multiple submitters, no conflicts (2 of 4 stars). 3 submissions from 3 submitters: Uncertain significance (3). Last evaluated 2026-01-18.

Conditions:
Endometrial carcinoma. Also called: Endometrial carcinoma, somatic. Identifiers: MedGen C0476089, MONDO:0002447, OMIM 608089, HP:0012114.
Hereditary cancer-predisposing syndrome. Also called: Tumor predisposition; Hereditary neoplastic syndrome; Neoplastic Syndromes, Hereditary; Hereditary Cancer Syndrome. Identifiers: Orphanet 140162, MedGen C0027672, MeSH D009386, MONDO:0015356.

Allele frequency attached by ClinVar (database versions not stated): TOPMed below 0.00001; ExAC 0.00001; gnomAD exomes 0.00001.

Submissions (3):

Labcorp Genetics (formerly Invitae), Labcorp
Classification: Uncertain significance. Last evaluated: 2026-01-18. Review status: criteria provided, single submitter. Criteria: Invitae Variant Classification Sherloc (09022015). Collection method: clinical testing. Allele origin: germline.
Comment: This sequence change replaces glutamic acid, which is acidic and polar, with aspartic acid, which is acidic and polar, at codon 456 of the MSH3 protein (p.Glu456Asp). This variant is present in population databases (rs781291181, gnomAD 0.006%). This variant has not been reported in the literature in individuals affected with MSH3-related conditions. ClinVar contains an entry for this variant (Variation ID: 666115). An algorithm developed to predict the effect of missense changes on protein structure and function (PolyPhen-2) suggests that this variant is likely to be disruptive. In summary, the available evidence is currently insufficient to determine the role of this variant in disease. Therefore, it has been classified as a Variant of Uncertain Significance.

Ambry Genetics
Classification: Uncertain significance for Hereditary cancer-predisposing syndrome. Last evaluated: 2024-12-20. Review status: criteria provided, single submitter. Criteria: Ambry Variant Classification Scheme 2023. Collection method: clinical testing. Allele origin: germline.
Comment: The p.E456D variant (also known as c.1368A>C), located in coding exon 9 of the MSH3 gene, results from an A to C substitution at nucleotide position 1368. The glutamic acid at codon 456 is replaced by aspartic acid, an amino acid with highly similar properties. This amino acid position is highly conserved in available vertebrate species. In addition, the in silico prediction for this alteration is inconclusive. Since supporting evidence is limited at this time, the clinical significance of this alteration remains unclear.

Baylor Genetics
Classification: Uncertain significance for Endometrial carcinoma. Last evaluated: 2024-03-05. Review status: criteria provided, single submitter. Criteria: ACMG Guidelines, 2015. Collection method: clinical testing. Allele origin: unknown.

NM_002439.5(MSH3):c.1368A>C (p.Glu456Asp)

Gene: MSH3 (mutS homolog 3; plus strand). Cytogenetic location: 5q14.1.
Variant type: single nucleotide variant.
Coding change: c.1368A>C on transcript NM_002439.5 (MANE Select); coding-DNA position 1368, A replaced by C.
Protein change: p.Glu456Asp; replaces glutamic acid 456 with aspartic acid.
Molecular consequence: missense variant.
Genome position (GRCh38, 1-based): chr5:80,725,480, A>C. VCF-style: chr5-80725480-A-C. GRCh37 (hg19) VCF-style: chr5-80021299-A-C.
Other names: short protein forms E456D.
Identifiers: ClinVar variation 666115 (VCV000666115.11), dbSNP rs781291181, ClinGen allele CA3327887.